The following is an entry in ClinVar:

ClinVar aggregate classification (germline): Uncertain significance. Review status: criteria provided, multiple submitters, no conflicts (2 of 4 stars). 2 submissions from 2 submitters: Uncertain significance (2). Last evaluated 2023-06-07.

Allele frequency attached by ClinVar (database versions not stated): gnomAD exomes below 0.00001 and 0.00001; ExAC 0.00001; gnomAD 0.00001; TOPMed 0.00001.
gnomAD v4.1: 17 of 1,607,600 alleles (0.0011%); highest among the groups gnomAD compares: Admixed American, 0.0017%; no homozygotes.

Submissions (2):

Ambry Genetics
Classification: Uncertain significance. Last evaluated: 2023-06-07. Review status: criteria provided, single submitter. Criteria: Ambry Variant Classification Scheme 2023. Collection method: clinical testing. Allele origin: germline.

Labcorp Genetics (formerly Invitae), Labcorp
Classification: Uncertain significance. Last evaluated: 2021-10-05. Review status: criteria provided, single submitter. Criteria: Invitae Variant Classification Sherloc (09022015). Collection method: clinical testing. Allele origin: germline.
Comment: This sequence change replaces glutamine with proline at codon 970 of the CEP250 protein (p.Gln970Pro). The glutamine residue is moderately conserved and there is a moderate physicochemical difference between glutamine and proline. This variant is present in population databases (rs762402549, ExAC 0.002%). This variant has not been reported in the literature in individuals affected with CEP250-related conditions. Algorithms developed to predict the effect of missense changes on protein structure and function are either unavailable or do not agree on the potential impact of this missense change (SIFT: "Not Available"; PolyPhen-2: "Possibly Damaging"; Align-GVGD: "Not Available"). In summary, the available evidence is currently insufficient to determine the role of this variant in disease. Therefore, it has been classified as a Variant of Uncertain Significance.

NM_007186.6(CEP250):c.2909A>C (p.Gln970Pro)

Gene: CEP250 (centrosomal protein 250; plus strand). Cytogenetic location: 20q11.22.
Variant type: single nucleotide variant.
Coding change: c.2909A>C on transcript NM_007186.6 (MANE Select); coding-DNA position 2909, A replaced by C.
Protein change: p.Gln970Pro; replaces glutamine 970 with proline.
Molecular consequence: missense variant.
Genome position (GRCh38, 1-based): chr20:35,493,448, A>C. VCF-style: chr20-35493448-A-C. GRCh37 (hg19) VCF-style: chr20-34081275-A-C.
Other names: c.1013A>C, p.Gln338Pro (NM_001318219.1); c.2909A>C (NM_007186.3); short protein forms Q338P, Q970P.
Identifiers: ClinVar variation 1384672 (VCV001384672.4), dbSNP rs762402549, ClinGen allele CA9833328.
Genomic context (GRCh38, chr20:35,493,448, plus strand): 5'-CACAGATTTCCTCTACTCAATGATTTCTTATCCCTCTTCAGGAGACCACTGGGATACTAC[A>C]GACCCAGCTCCAGGAGGCTCAACGGGAGCTGAAGGAGGCAGCCCGGCAGCACAGAGATGA-3'
Protein context (NP_009117.2, residues 960-980): LKEQETTGIL[Gln970Pro]TQLQEAQREL